The following is an entry in ClinVar:

ClinVar aggregate classification (germline): Uncertain significance. Review status: criteria provided, multiple submitters, no conflicts (2 of 4 stars). 3 submissions from 3 submitters: Uncertain significance (3). Last evaluated 2025-08-12.

Conditions:
Inborn genetic diseases. Identifiers: MedGen C0950123, MeSH D030342.

Allele frequency attached by ClinVar (database versions not stated): gnomAD exomes below 0.00001; TOPMed below 0.00001; gnomAD 0.00001.

Submissions (3):

Ambry Genetics
Classification: Uncertain significance for Inborn genetic diseases. Last evaluated: 2025-08-12. Review status: criteria provided, single submitter. Criteria: Ambry Variant Classification Scheme 2023. Collection method: clinical testing. Allele origin: germline.

Labcorp Genetics (formerly Invitae), Labcorp
Classification: Uncertain significance. Last evaluated: 2022-09-13. Review status: criteria provided, single submitter. Criteria: Invitae Variant Classification Sherloc (09022015). Collection method: clinical testing. Allele origin: germline.
Comment: This sequence change replaces phenylalanine, which is neutral and non-polar, with leucine, which is neutral and non-polar, at codon 269 of the MTPAP protein (p.Phe269Leu). This variant is present in population databases (no rsID available, gnomAD 0.0009%). This variant has not been reported in the literature in individuals affected with MTPAP-related conditions. Algorithms developed to predict the effect of missense changes on protein structure and function are either unavailable or do not agree on the potential impact of this missense change (SIFT: "Deleterious"; PolyPhen-2: "Benign"; Align-GVGD: "Class C0"). In summary, the available evidence is currently insufficient to determine the role of this variant in disease. Therefore, it has been classified as a Variant of Uncertain Significance.

GeneDx
Classification: Uncertain significance. Last evaluated: 2022-05-02. Review status: criteria provided, single submitter. Criteria: GeneDx Variant Classification Process June 2021. Collection method: clinical testing. Allele origin: germline. Affected: yes.
Comment: Not observed at significant frequency in large population cohorts (gnomAD); In silico analysis supports that this missense variant has a deleterious effect on protein structure/function; Has not been previously published as pathogenic or benign to our knowledge

NM_018109.4(MTPAP):c.807T>G (p.Phe269Leu)

Gene: MTPAP (mitochondrial poly(A) polymerase; minus strand). Cytogenetic location: 10p11.23.
Variant type: single nucleotide variant.
Coding change: c.807T>G on transcript NM_018109.4 (MANE Select); coding-DNA position 807, T replaced by G.
Protein change: p.Phe269Leu; replaces phenylalanine 269 with leucine.
Molecular consequence: missense variant.
Genome position (GRCh38, 1-based): chr10:30,326,609, A>C on the plus strand (T>G on the coding strand, the complement: MTPAP is on the minus strand). VCF-style: chr10-30326609-A-C. GRCh37 (hg19) VCF-style: chr10-30615538-A-C.
Other names: short protein forms F269L.
Identifiers: ClinVar variation 1800929 (VCV001800929.4), dbSNP rs1211386034, ClinGen allele CA376422492.